The following is an entry in ClinVar:

ClinVar aggregate classification (germline): Uncertain significance. Review status: criteria provided, multiple submitters, no conflicts (2 of 4 stars). 3 submissions from 3 submitters: Uncertain significance (3). Last evaluated 2025-01-30.

Conditions:
Charcot-Marie-Tooth disease type 4B3. Also called: Charcot-Marie-Tooth Neuropathy Type 4B3; CHARCOT-MARIE-TOOTH DISEASE, DEMYELINATING, TYPE 4B3. Identifiers: Orphanet 363981, MedGen C3695063, MONDO:0014117, OMIM 615284.

gnomAD v4.1: 59 of 1,608,100 alleles (0.0037%); highest among the groups gnomAD compares: East Asian, 0.042%; 2 homozygotes.

Submissions (3):

ARUP Laboratories, Molecular Genetics and Genomics, ARUP Laboratories
Classification: Uncertain significance for Charcot-Marie-Tooth disease type 4B3. Last evaluated: 2025-01-30. Review status: criteria provided, single submitter. Criteria: ARUP Molecular Germline Variant Investigation Process 2024. Collection method: clinical testing. Allele origin: germline.
Comment: The SBF1 c.1508G>C; p.Arg503Pro variant (rs759909473), to our knowledge, is not reported in the medical literature but is reported in ClinVar (Variation ID: 1351630). This variant is found in the general population with an overall allele frequency of 0.004% (13/274772 alleles) in the Genome Aggregation Database (v2.1.1). Computational analyses are uncertain whether this variant is neutral or deleterious (REVEL: 0.53). Due to limited information, the clinical significance of this variant is uncertain at this time.

Blueprint Genetics
Classification: Uncertain significance. Last evaluated: 2024-08-28. Review status: criteria provided, single submitter. Criteria: ACMG Guidelines, 2015. Collection method: clinical testing. Allele origin: germline.

Labcorp Genetics (formerly Invitae), Labcorp
Classification: Uncertain significance. Last evaluated: 2022-08-21. Review status: criteria provided, single submitter. Criteria: Invitae Variant Classification Sherloc (09022015). Collection method: clinical testing. Allele origin: germline.
Comment: This sequence change replaces arginine, which is basic and polar, with proline, which is neutral and non-polar, at codon 503 of the SBF1 protein (p.Arg503Pro). This variant is present in population databases (rs759909473, gnomAD 0.06%). This variant has not been reported in the literature in individuals affected with SBF1-related conditions. ClinVar contains an entry for this variant (Variation ID: 1351630). Algorithms developed to predict the effect of missense changes on protein structure and function are either unavailable or do not agree on the potential impact of this missense change (SIFT: "Tolerated"; PolyPhen-2: "Possibly Damaging"; Align-GVGD: "Class C0"). In summary, the available evidence is currently insufficient to determine the role of this variant in disease. Therefore, it has been classified as a Variant of Uncertain Significance.

NM_002972.4(SBF1):c.1508G>C (p.Arg503Pro)

Gene: SBF1 (SET binding factor 1; minus strand). Cytogenetic location: 22q13.33.
Variant type: single nucleotide variant.
Coding change: c.1508G>C on transcript NM_002972.4 (MANE Select); coding-DNA position 1508, G replaced by C.
Protein change: p.Arg503Pro; replaces arginine 503 with proline.
Molecular consequence: missense variant.
Genome position (GRCh38, 1-based): chr22:50,464,662, C>G on the plus strand (G>C on the coding strand, the complement: SBF1 is on the minus strand). VCF-style: chr22-50464662-C-G. GRCh37 (hg19) VCF-style: chr22-50903091-C-G.
Other names: c.1511G>C, p.Arg504Pro (NM_001365819.1); short protein forms R504P, R503P.
Identifiers: ClinVar variation 1351630 (VCV001351630.5), dbSNP rs759909473, ClinGen allele CA10317624.